The following is an entry in ClinVar:

NM_018979.4(WNK1):c.469C>A (p.Pro157Thr)

Gene: WNK1 (WNK lysine deficient protein kinase 1; plus strand). Cytogenetic location: 12p13.33.
Variant type: single nucleotide variant.
Coding change: c.469C>A on transcript NM_018979.4 (MANE Select); coding-DNA position 469, C replaced by A.
Protein change: p.Pro157Thr; replaces proline 157 with threonine.
Molecular consequence: missense variant.
Genome position (GRCh38, 1-based): chr12:754,034, C>A. VCF-style: chr12-754034-C-A. GRCh37 (hg19) VCF-style: chr12-863200-C-A.
Other names: c.469C>A, p.Pro157Thr (NM_213655.5, NM_001184985.2, NM_014823.3); short protein forms P157T.
Identifiers: ClinVar variation 3027206 (VCV003027206.22), dbSNP rs369532790, ClinGen allele CA383306625.

ClinVar aggregate classification (germline): Uncertain significance (1 of 4 stars; one submission).

Submission:

CeGaT Center for Human Genetics Tuebingen
Classification: Uncertain significance. Last evaluated: 2024-02-01. Review status: criteria provided, single submitter. Criteria: CeGaT Center For Human Genetics Tuebingen Variant Classification Criteria Version 2. Collection method: clinical testing. Allele origin: germline. Affected: yes. Observed: 1 variant allele.
Comment: WNK1: PM2, BP4